The following is an entry in ClinVar:

ClinVar aggregate classification (germline): Likely benign. Review status: criteria provided, multiple submitters, no conflicts (2 of 4 stars). 2 submissions from 2 submitters: Likely benign (2). Last evaluated 2026-02-20.

Conditions:
ADAMTS3-related disorder. Also called: ADAMTS3-related condition.

Allele frequency attached by ClinVar (database versions not stated): gnomAD exomes 0.00013; ExAC 0.00041; ESP Exome Variant Server 0.00115; TOPMed 0.00135; gnomAD 0.00142; 1000 Genomes Project 0.00220; 1000 Genomes Project 30x 0.00234.
gnomAD v4.1: 410 of 1,613,830 alleles (0.025%); highest among the groups gnomAD compares: African/African-American, 0.51%; no homozygotes.

Submissions (2):

PreventionGenetics, part of Exact Sciences
Classification: Likely benign for ADAMTS3-related condition. Last evaluated: 2026-02-20. Review status: criteria provided, single submitter. Criteria: ACMG Guidelines, 2015. Collection method: clinical testing. Allele origin: germline.
Comment: This variant is classified as likely benign based on ACMG/AMP sequence variant interpretation guidelines (Richards et al. 2015 PMID: 25741868, with internal and published modifications).

CeGaT Center for Human Genetics Tuebingen
Classification: Likely benign. Last evaluated: 2022-04-01. Review status: criteria provided, single submitter. Criteria: CeGaT Center For Human Genetics Tuebingen Variant Classification Criteria Version 2. Collection method: clinical testing. Allele origin: germline. Affected: yes. Observed: 1 variant allele.
Comment: ADAMTS3: BP4, BP7

NM_014243.3(ADAMTS3):c.1071C>G (p.Thr357=)

Gene: ADAMTS3 (ADAM metallopeptidase with thrombospondin type 1 motif 3; minus strand). Cytogenetic location: 4q13.3.
Variant type: single nucleotide variant.
Coding change: c.1071C>G on transcript NM_014243.3 (MANE Select); coding-DNA position 1071, C replaced by G.
Protein change: p.Thr357=; no amino-acid change (threonine 357 retained).
Molecular consequence: synonymous variant.
Genome position (GRCh38, 1-based): chr4:72,320,745, G>C on the plus strand (C>G on the coding strand, the complement: ADAMTS3 is on the minus strand). VCF-style: chr4-72320745-G-C. GRCh37 (hg19) VCF-style: chr4-73186462-G-C.
Other names: c.1071C>G (NM_014243.2).
Identifiers: ClinVar variation 2654809 (VCV002654809.25), dbSNP rs147111615, ClinGen allele CA2957065.